The following is an entry in ClinVar:

NM_012431.3(SEMA3E):c.533T>C (p.Phe178Ser)

Gene: SEMA3E (semaphorin 3E; minus strand). Cytogenetic location: 7q21.11.
Variant type: single nucleotide variant.
Coding change: c.533T>C on transcript NM_012431.3 (MANE Select); coding-DNA position 533, T replaced by C.
Protein change: p.Phe178Ser; replaces phenylalanine 178 with serine.
Molecular consequence: missense variant.
Genome position (GRCh38, 1-based): chr7:83,418,407, A>G on the plus strand (T>C on the coding strand, the complement: SEMA3E is on the minus strand). VCF-style: chr7-83418407-A-G. GRCh37 (hg19) VCF-style: chr7-83047723-A-G.
Other names: c.353T>C, p.Phe118Ser (NM_001178129.2); short protein forms F118S, F178S.
Identifiers: ClinVar variation 4753545 (VCV004753545.1).
Genomic context (GRCh38, chr7:83,418,407, plus strand): 5'-ATCCTTATGACTACCACCTGATGTCTGTGGCAATGACAATTACCAATTAAAGTGGAGATG[A>G]AGGAGGAGCTGGGGTCAAAAGGACATCTGCCCCTTCCTCTCTCAGATCTGGGTGATTCCA-3'
Protein context (NP_036563.1, residues 168-188): GRCPFDPSSS[Phe178Ser]ISTLIGSELF

ClinVar aggregate classification (germline): Uncertain significance (1 of 4 stars; one submission).

Conditions:
CHARGE syndrome (CHARGE). Also called: Hittner Hirsch Kreh syndrome; CHARGE ASSOCIATION--COLOBOMA, HEART ANOMALY, CHOANAL ATRESIA, RETARDATION, GENITAL AND EAR ANOMALIES; Coloboma, heart anomaly, choanal atresia, retardation, genital and ear anomalies; CHARGE association; Hall-Hittner syndrome. Identifiers: Orphanet 138, MedGen C0265354, MONDO:0008965.

Submission:

Labcorp Genetics (formerly Invitae), Labcorp
Classification: Uncertain significance for CHARGE syndrome. Last evaluated: 2025-07-14. Review status: criteria provided, single submitter. Criteria: Invitae Variant Classification Sherloc (09022015). Collection method: clinical testing. Allele origin: germline.
Comment: This sequence change replaces phenylalanine, which is neutral and non-polar, with serine, which is neutral and polar, at codon 178 of the SEMA3E protein (p.Phe178Ser). This variant is not present in population databases (gnomAD no frequency). This variant has not been reported in the literature in individuals affected with SEMA3E-related conditions. Invitae Evidence Modeling of protein sequence and biophysical properties (such as structural, functional, and spatial information, amino acid conservation, physicochemical variation, residue mobility, and thermodynamic stability) indicates that this missense variant is not expected to disrupt SEMA3E protein function with a negative predictive value of 80%. In summary, the available evidence is currently insufficient to determine the role of this variant in disease. Therefore, it has been classified as a Variant of Uncertain Significance.